The following is an entry in ClinVar:

NM_177438.3(DICER1):c.629T>C (p.Leu210Ser)

Gene: DICER1 (dicer 1, ribonuclease III; minus strand). Cytogenetic location: 14q32.13.
Variant type: single nucleotide variant.
Coding change: c.629T>C on transcript NM_177438.3 (MANE Select); coding-DNA position 629, T replaced by C.
Protein change: p.Leu210Ser; replaces leucine 210 with serine.
Molecular consequence: missense variant.
Genome position (GRCh38, 1-based): chr14:95,129,577, A>G on the plus strand (T>C on the coding strand, the complement: DICER1 is on the minus strand). VCF-style: chr14-95129577-A-G. GRCh37 (hg19) VCF-style: chr14-95595914-A-G.
Other names: c.629T>C, p.Leu210Ser (NM_001195573.1, NM_001271282.3, NM_001291628.2 and 1 more transcripts); short protein forms L210S.
Identifiers: ClinVar variation 483440 (VCV000483440.8), dbSNP rs886037730, ClinGen allele CA390888195.

ClinVar aggregate classification (germline): Uncertain significance. Review status: criteria provided, multiple submitters, no conflicts (2 of 4 stars). 2 submissions from 2 submitters: Uncertain significance (2). Last evaluated 2024-10-05.

Conditions:
DICER1-related tumor predisposition. Also called: DICER1-related pleuropulmonary blastoma cancer predisposition syndrome; DICER1 syndrome. Identifiers: Orphanet 284343, MedGen C3839822, MONDO:0100216.
Hereditary cancer-predisposing syndrome. Also called: Hereditary neoplastic syndrome; Neoplastic Syndromes, Hereditary; Tumor predisposition; Hereditary Cancer Syndrome. Identifiers: Orphanet 140162, MedGen C0027672, MeSH D009386, MONDO:0015356.

Allele frequency attached by ClinVar (database versions not stated): gnomAD exomes below 0.00001; TOPMed below 0.00001; gnomAD 0.00001.
gnomAD v4.1: 3 of 1,613,494 alleles (0.00019%); highest among the groups gnomAD compares: Non-Finnish European, 0.00017%; no homozygotes.

Submissions (2):

Labcorp Genetics (formerly Invitae), Labcorp
Classification: Uncertain significance for DICER1-related tumor predisposition. Last evaluated: 2024-10-05. Review status: criteria provided, single submitter. Criteria: Invitae Variant Classification Sherloc (09022015). Collection method: clinical testing. Allele origin: germline.
Comment: This sequence change replaces leucine, which is neutral and non-polar, with serine, which is neutral and polar, at codon 210 of the DICER1 protein (p.Leu210Ser). This variant is not present in population databases (gnomAD no frequency). This variant has not been reported in the literature in individuals affected with DICER1-related conditions. ClinVar contains an entry for this variant (Variation ID: 483440). Invitae Evidence Modeling of protein sequence and biophysical properties (such as structural, functional, and spatial information, amino acid conservation, physicochemical variation, residue mobility, and thermodynamic stability) indicates that this missense variant is not expected to disrupt DICER1 protein function with a negative predictive value of 95%. In summary, the available evidence is currently insufficient to determine the role of this variant in disease. Therefore, it has been classified as a Variant of Uncertain Significance.

Ambry Genetics
Classification: Uncertain significance for Hereditary cancer-predisposing syndrome. Last evaluated: 2024-08-18. Review status: criteria provided, single submitter. Criteria: Ambry Variant Classification Scheme 2023. Collection method: clinical testing. Allele origin: germline.
Comment: The p.L210S variant (also known as c.629T>C), located in coding exon 5 of the DICER1 gene, results from a T to C substitution at nucleotide position 629. The leucine at codon 210 is replaced by serine, an amino acid with dissimilar properties. This amino acid position is highly conserved in available vertebrate species. In addition, this alteration is predicted to be deleterious by in silico analysis. Since supporting evidence is limited at this time, the clinical significance of this alteration remains unclear.